The following is an entry in ClinVar:

ClinVar aggregate classification (germline): Uncertain significance. Review status: criteria provided, multiple submitters, no conflicts (2 of 4 stars). 2 submissions from 2 submitters: Uncertain significance (2). Last evaluated 2025-09-28.

Conditions:
Inborn genetic diseases. Identifiers: MedGen C0950123, MeSH D030342.

Allele frequency attached by ClinVar (database versions not stated): gnomAD 0.00001; gnomAD exomes below 0.00001; TOPMed 0.00001.

Submissions (2):

Ambry Genetics
Classification: Uncertain significance for Inborn genetic diseases. Last evaluated: 2025-09-28. Review status: criteria provided, single submitter. Criteria: Ambry Variant Classification Scheme 2023. Collection method: clinical testing. Allele origin: germline.

Labcorp Genetics (formerly Invitae), Labcorp
Classification: Uncertain significance. Last evaluated: 2024-12-02. Review status: criteria provided, single submitter. Criteria: Invitae Variant Classification Sherloc (09022015). Collection method: clinical testing. Allele origin: germline.
Comment: This sequence change replaces alanine, which is neutral and non-polar, with valine, which is neutral and non-polar, at codon 115 of the CASQ1 protein (p.Ala115Val). This variant is present in population databases (no rsID available, gnomAD 0.009%). This variant has not been reported in the literature in individuals affected with CASQ1-related conditions. ClinVar contains an entry for this variant (Variation ID: 2077738). Invitae Evidence Modeling of protein sequence and biophysical properties (such as structural, functional, and spatial information, amino acid conservation, physicochemical variation, residue mobility, and thermodynamic stability) indicates that this missense variant is not expected to disrupt CASQ1 protein function with a negative predictive value of 80%. In summary, the available evidence is currently insufficient to determine the role of this variant in disease. Therefore, it has been classified as a Variant of Uncertain Significance.

NM_001231.5(CASQ1):c.344C>T (p.Ala115Val)

Gene: CASQ1 (calsequestrin 1; plus strand). Cytogenetic location: 1q23.2.
Variant type: single nucleotide variant.
Coding change: c.344C>T on transcript NM_001231.5 (MANE Select); coding-DNA position 344, C replaced by T.
Protein change: p.Ala115Val; replaces alanine 115 with valine.
Molecular consequence: missense variant.
Genome position (GRCh38, 1-based): chr1:160,192,866, C>T. VCF-style: chr1-160192866-C-T. GRCh37 (hg19) VCF-style: chr1-160162656-C-T.
Other names: c.344C>T (NM_001231.4); short protein forms A115V.
Identifiers: ClinVar variation 2077738 (VCV002077738.5), dbSNP rs1219130683, ClinGen allele CA343253245.